The following is an entry in ClinVar:

NM_000018.4(ACADVL):c.1366C>T (p.Arg456Cys)

Gene: ACADVL (acyl-CoA dehydrogenase very long chain; plus strand). Cytogenetic location: 17p13.1.
Variant type: single nucleotide variant.
Coding change: c.1366C>T on transcript NM_000018.4 (MANE Select); coding-DNA position 1366, C replaced by T.
Protein change: p.Arg456Cys; replaces arginine 456 with cysteine.
Molecular consequence: missense variant.
Genome position (GRCh38, 1-based): chr17:7,224,001, C>T. VCF-style: chr17-7224001-C-T. GRCh37 (hg19) VCF-style: chr17-7127320-C-T.
Other names: c.1300C>T, p.Arg434Cys (NM_001033859.3); c.1435C>T, p.Arg479Cys (NM_001270447.2); c.1138C>T, p.Arg380Cys (NM_001270448.2); short protein forms R456C, R479C, R380C, R434C.
Identifiers: ClinVar variation 194315 (VCV000194315.28), dbSNP rs794727111, ClinGen allele CA240222.

ClinVar aggregate classification (germline): Conflicting classifications of pathogenicity. Review status: criteria provided, conflicting classifications (1 of 4 stars). 9 submissions from 9 submitters: Pathogenic (2); Likely pathogenic (4); Uncertain significance (2). 1 of the submissions does not count toward it. Last evaluated 2026-05-05.

Conditions:
Very long chain acyl-CoA dehydrogenase deficiency (ACADVLD). Also called: VLCAD Deficiency; Very Long-Chain Acyl-Coenzyme A Dehydrogenase Deficiency. Identifiers: Orphanet 26793, MedGen C3887523, MONDO:0008723, OMIM 201475.

Allele frequency attached by ClinVar (database versions not stated): gnomAD exomes below 0.00001; gnomAD 0.00002; TOPMed 0.00002.
gnomAD v4.1: 6 of 1,613,958 alleles (0.00037%); highest among the groups gnomAD compares: African/African-American, 0.0027%; no homozygotes.

Submissions (9):

Myriad Genetics, Inc.
Classification: Likely pathogenic for Very long chain acyl-CoA dehydrogenase deficiency. Last evaluated: 2026-05-05. Review status: criteria provided, single submitter. Criteria: Myriad Autosomal Dominant, Autosomal Recessive and X-Linked Classification Criteria (2023). Collection method: clinical testing. Allele origin: unknown.
Comment: NM_000018.3(ACADVL):c.1366C>T(R456C) is a missense variant classified as likely pathogenic in the context of very-long-chain acyl-CoA dehydrogenase deficiency. R456C has been observed in cases with relevant disease (PMID: 35281663, 33150772). Relevant functional assessments of this variant are not available in the literature. R456C has not been observed in referenced population frequency databases. In summary, NM_000018.3(ACADVL):c.1366C>T(R456C) is a missense variant that has internal structural support for pathogenicity and has been observed more frequently in cases with the relevant disease than in healthy populations. Please note: this variant was assessed in the context of healthy population screening.

CeGaT Center for Human Genetics Tuebingen
Classification: Likely pathogenic. Last evaluated: 2026-03-01. Review status: criteria provided, single submitter. Criteria: CeGaT Center For Human Genetics Tuebingen Variant Classification Criteria Version 2. Collection method: clinical testing. Allele origin: germline. Affected: yes. Observed: 1 variant allele.
Comment: ACADVL: PM2, PM3, PM5, PP3

Dasa
Classification: Likely pathogenic. Last evaluated: 2025-11-12. Review status: criteria provided, single submitter. Criteria: DASA Assertion Criteria. Collection method: clinical testing. Allele origin: germline.
Comment: NM_000018.4(ACADVL):c.1366C>T (p.Arg456Cys) is a missense variant that results in the substitution of arginine with cysteine. The affected residue or protein region has prior evidence supporting clinical relevance. This variant has been recurrently observed in individuals with ACADVL-related disorders (PMID: 33150772; PMID: 35281663). Also, this variant is rare in population databases. Computational evidence supports a deleterious effect. Based on the currently available evidence, this variant is classified as likely pathogenic.

Victorian Clinical Genetics Services, Murdoch Childrens Research Institute
Classification: Pathogenic for Very long chain acyl-CoA dehydrogenase deficiency. Last evaluated: 2025-04-09. Review status: criteria provided, single submitter. Criteria: ACMG Guidelines, 2015. Collection method: clinical testing. Allele origin: germline.
Comment: This variant is classified as Pathogenic. Evidence in support of pathogenic classification: Variant is present in gnomAD <0.01 for a recessive condition (v4: 6 heterozygote(s), 0 homozygote(s)); Other missense variant(s) comparable to the one identified in this case have very strong previous evidence for pathogenicity. p.(Arg456Pro) and p.(Arg456His) have been classified as likely pathogenic and pathogenic on ClinVar. p.(Arg456His) and p.(Arg456Gly) have been reported in unrelated homozygous or compound heterozygous individuals with VLCAD deficiency (PMID: 17206456, 29268767, 35281663, 32061778, 30194637); Missense variant predicted to be damaging by in silico tool(s) or highly conserved with a major amino acid change. Additional information: Variant is predicted to result in a missense amino acid change from arginine to cysteine; This variant is heterozygous; This gene is associated with autosomal recessive disease; Alternative amino acid change(s) at the same position are present in gnomAD (v4: 21 heterozygote(s), 0 homozygote(s)); Previous evidence of pathogenicity for this variant is inconclusive. This variant has been classified as pathogenic and a VUS by clinical laboratories on ClinVar. This variant has also been reported in two unrelated compound heterozygous individuals with VLCAD deficiency (PMID: 35281663, 37308883); No published segregation evidence has been identified for this variant; No published functional evidence has been identified for this variant; Variant is located in the annotated acyl-CoA dehydrogenase, C-terminal domain (DECIPHER); Loss of function is a known mechanism of disease in this gene and is associated with VLCAD deficiency (MIM#201475); Variants in this gene are known to have variable expressivity. Clinical severity is dependent on how much residual enzyme activity remains (PMID: 31031081).

Department of Genetics of Metabolic Diseases, Institute of Medical & Molecular Genetics, Hospital Universitario Hospital La Paz
Classification: Likely pathogenic for Very long chain acyl-CoA dehydrogenase deficiency. Last evaluated: 2024-09-01. Review status: criteria provided, single submitter. Criteria: ACMG Guidelines, 2015. Collection method: clinical testing. Allele origin: germline. Inheritance: Autosomal recessive inheritance. Affected: yes.
Comment: The variant NM_000018.3:c.1366C>T p.(Arg456Cys) in ACADVL is present at low frequency in gnomAD (0.006373%) and computational prediction tools support a deleterious effect on the gene. Experimental analysis in fibroblasts confirmed the patient showed a significatively educed VLCAD´s activity (PMID: Hidalgo Mayoral I et al., in press). Additionally, it has been reported in a newborn in compound heterozygosity (PMID:33150772).

Labcorp Genetics (formerly Invitae), Labcorp
Classification: Pathogenic for Very long chain acyl-CoA dehydrogenase deficiency. Last evaluated: 2024-02-02. Review status: criteria provided, single submitter. Criteria: Invitae Variant Classification Sherloc (09022015). Collection method: clinical testing. Allele origin: germline.
Comment: This sequence change replaces arginine, which is basic and polar, with cysteine, which is neutral and slightly polar, at codon 456 of the ACADVL protein (p.Arg456Cys). This variant is present in population databases (rs794727111, gnomAD 0.02%). This missense change has been observed in individual(s) with very long-chain acyl-CoA dehydrogenase deficiency (PMID: 30950014, 33150772). In at least one individual the data is consistent with being in trans (on the opposite chromosome) from a pathogenic variant. ClinVar contains an entry for this variant (Variation ID: 194315). Advanced modeling of protein sequence and biophysical properties (such as structural, functional, and spatial information, amino acid conservation, physicochemical variation, residue mobility, and thermodynamic stability) performed at Invitae indicates that this missense variant is expected to disrupt ACADVL protein function with a positive predictive value of 95%. This variant disrupts the p.Arg456 amino acid residue in ACADVL. Other variant(s) that disrupt this residue have been determined to be pathogenic (PMID: 17206456, 30194637). This suggests that this residue is clinically significant, and that variants that disrupt this residue are likely to be disease-causing. For these reasons, this variant has been classified as Pathogenic.

Wong Mito Lab, Molecular and Human Genetics, Baylor College of Medicine
Classification: Uncertain significance for Very long chain acyl-CoA dehydrogenase deficiency. Last evaluated: 2019-11-01. Review status: criteria provided, single submitter. Criteria: ACMG Guidelines, 2015. Collection method: clinical testing. Allele origin: germline.
Comment: The NM_000018.3:c.1366C>T (NP_000009.1:p.Arg456Cys) [GRCH38: NC_000017.11:g.7224001C>T] variant in ACADVL gene is interpretated to be Uncertain Significance based on ACMG guidelines (PMID: 25741868). This variant has been reported. This variant meets the following evidence codes reported in the ACMG guidelines: PP3

Eurofins Ntd Llc (ga)
Classification: Uncertain significance. Last evaluated: 2014-08-20. Review status: criteria provided, single submitter. Criteria: EGL Classification Definitions 2015. Collection method: clinical testing. Allele origin: germline. Observed: 1 variant allele, 1 heterozygote.

Natera, Inc.
Classification: Uncertain significance for Very long chain acyl-CoA dehydrogenase deficiency. Last evaluated: 2020-09-11. Review status: no assertion criteria provided. Collection method: clinical testing. Allele origin: germline. Not counted in ClinVar's aggregate classification.

Literature cited by the submitters: PubMed 33150772 (cited by 3 submitters); PubMed 35281663 (cited by 3 submitters); PubMed 37308883 (cited by Victorian Clinical Genetics Services, Murdoch Childrens Research Institute); PubMed 31031081 (cited by Victorian Clinical Genetics Services, Murdoch Childrens Research Institute); PubMed 41022664 (cited by Department of Genetics of Metabolic Diseases, Institute of Medical & Molecular Genetics, Hospital Universitario Hospital La Paz); PubMed 30950014 (cited by Labcorp Genetics (formerly Invitae), Labcorp); PubMed 17206456 (cited by Labcorp Genetics (formerly Invitae), Labcorp); PubMed 30194637 (cited by Labcorp Genetics (formerly Invitae), Labcorp).